The following is an entry in ClinVar:

ClinVar aggregate classification (germline): Likely benign (1 of 4 stars; one submission).

gnomAD v4.1: 33 of 1,613,972 alleles (0.002%); highest among the groups gnomAD compares: Admixed American, 0.033%; no homozygotes.

Submission:

CeGaT Center for Human Genetics Tuebingen
Classification: Likely benign. Last evaluated: 2026-04-01. Review status: criteria provided, single submitter. Criteria: CeGaT Center For Human Genetics Tuebingen Variant Classification Criteria Version 2. Collection method: clinical testing. Allele origin: germline. Affected: yes. Observed: 1 variant allele.
Comment: CARS1: BP4, BP7

NM_001014437.3(CARS1):c.150G>A (p.Ala50=)

Gene: CARS1 (cysteinyl-tRNA synthetase 1; minus strand). Cytogenetic location: 11p15.4.
Variant type: single nucleotide variant.
Coding change: c.150G>A on transcript NM_001014437.3 (MANE Select); coding-DNA position 150, G replaced by A.
Protein change: p.Ala50=; no amino-acid change (alanine 50 retained).
Molecular consequence: synonymous variant. On other transcripts: 5 prime UTR variant (1), non-coding transcript variant (2), intron variant (6).
Genome position (GRCh38, 1-based): chr11:3,047,877, C>T on the plus strand (G>A on the coding strand, the complement: CARS1 is on the minus strand). VCF-style: chr11-3047877-C-T. GRCh37 (hg19) VCF-style: chr11-3069107-C-T.
Other names: c.150G>A, p.Ala50= (NM_001194997.2); c.-177G>A (NM_001378139.1); c.26-5621G>A (NM_001751.6, NM_139273.4); c.-52-5621G>A (NM_001378137.1, NM_001378138.1, NM_001440304.1); c.65-5621G>A (NM_001378136.1).
Identifiers: ClinVar variation 4873260 (VCV004873260.2).